The following is an entry in ClinVar:

ClinVar aggregate classification (germline): Uncertain significance (1 of 4 stars; one submission).

Submission:

GeneDx
Classification: Uncertain significance. Last evaluated: 2022-09-19. Review status: criteria provided, single submitter. Criteria: GeneDx Variant Classification Process June 2021. Collection method: clinical testing. Allele origin: germline. Affected: yes.
Comment: Not observed at significant frequency in large population cohorts (gnomAD); In silico analysis supports that this missense variant has a deleterious effect on protein structure/function; Has not been previously published as pathogenic or benign to our knowledge; This variant is associated with the following publications: (PMID: 11574484)

NM_000535.7(PMS2):c.967C>T (p.Leu323Phe)

Gene: PMS2 (PMS1 homolog 2, mismatch repair system component; minus strand). Cytogenetic location: 7p22.1.
Variant type: single nucleotide variant.
Coding change: c.967C>T on transcript NM_000535.7 (MANE Select); coding-DNA position 967, C replaced by T.
Protein change: p.Leu323Phe; replaces leucine 323 with phenylalanine.
Molecular consequence: missense variant. On other transcripts: non-coding transcript variant (1).
Genome position (GRCh38, 1-based): chr7:5,991,994, G>A on the plus strand (C>T on the coding strand, the complement: PMS2 is on the minus strand). VCF-style: chr7-5991994-G-A. GRCh37 (hg19) VCF-style: chr7-6031625-G-A.
Other names: c.562C>T, p.Leu188Phe (NM_001018040.1, NM_001322003.2, NM_001322004.2 and 20 more transcripts); c.967C>T, p.Leu323Phe (NM_001322006.2, NM_001322014.2, NM_001406870.1 and 2 more transcripts); c.649C>T, p.Leu217Phe (NM_001322007.2, NM_001322008.2, NM_001406876.1 and 4 more transcripts); c.34C>T, p.Leu12Phe (NM_001322011.2, NM_001322012.2); c.394C>T, p.Leu132Phe (NM_001322013.2, NM_001406909.1); c.658C>T, p.Leu220Phe (NM_001322015.2, NM_001406875.1, NM_001406877.1 and 6 more transcripts); c.1153C>T, p.Leu385Phe (NM_001406866.1); c.991C>T, p.Leu331Phe (NM_001406868.1); and 7 more; short protein forms L12F, L132F, L152F, L188F, L201F, L211F, L217F, L220F.
Identifiers: ClinVar variation 2444823 (VCV002444823.1), dbSNP rs1554299391, ClinGen allele CA366743099.